The following is an entry in ClinVar:

ClinVar aggregate classification (germline): Uncertain significance (1 of 4 stars; one submission).

Allele frequency attached by ClinVar (database versions not stated): ExAC 0.00002; TOPMed 0.00002; gnomAD exomes 0.00003; gnomAD 0.00004; 1000 Genomes Project 0.00020; 1000 Genomes Project 30x 0.00031.

Submission:

Labcorp Genetics (formerly Invitae), Labcorp
Classification: Uncertain significance. Last evaluated: 2022-03-24. Review status: criteria provided, single submitter. Criteria: Invitae Variant Classification Sherloc (09022015). Collection method: clinical testing. Allele origin: germline.
Comment: This sequence change replaces histidine, which is basic and polar, with arginine, which is basic and polar, at codon 91 of the PGAP3 protein (p.His91Arg). This variant is present in population databases (rs527343773, gnomAD 0.03%). This variant has not been reported in the literature in individuals affected with PGAP3-related conditions. Algorithms developed to predict the effect of missense changes on protein structure and function are either unavailable or do not agree on the potential impact of this missense change (SIFT: "Deleterious"; PolyPhen-2: "Benign"; Align-GVGD: "Class C0"). In summary, the available evidence is currently insufficient to determine the role of this variant in disease. Therefore, it has been classified as a Variant of Uncertain Significance.

NM_033419.5(PGAP3):c.272A>G (p.His91Arg)

Gene: PGAP3 (post-GPI attachment to proteins phospholipase 3; minus strand). Cytogenetic location: 17q12.
Variant type: single nucleotide variant.
Coding change: c.272A>G on transcript NM_033419.5 (MANE Select); coding-DNA position 272, A replaced by G.
Protein change: p.His91Arg; replaces histidine 91 with arginine.
Molecular consequence: missense variant.
Genome position (GRCh38, 1-based): chr17:39,685,929, T>C on the plus strand (A>G on the coding strand, the complement: PGAP3 is on the minus strand). VCF-style: chr17-39685929-T-C. GRCh37 (hg19) VCF-style: chr17-37842182-T-C.
Other names: c.272A>G, p.His91Arg (NM_001291726.2, NM_001291728.2, NM_001291730.2 and 2 more transcripts); short protein forms H91R.
Identifiers: ClinVar variation 2187815 (VCV002187815.1), dbSNP rs527343773, ClinGen allele CA8533424.